The following is an entry in ClinVar:

ClinVar aggregate classification (germline): Pathogenic/Likely pathogenic. Review status: criteria provided, multiple submitters, no conflicts (2 of 4 stars). 9 submissions from 9 submitters: Pathogenic (6); Likely pathogenic (1). 2 of the submissions do not count toward it. Last evaluated 2025-10-03.

Conditions:
KCNQ1-related disorder. Also called: KCNQ1-related disorders; KCNQ1-related condition. Identifiers: MedGen CN239322.
Cardiovascular phenotype. Identifiers: MedGen CN230736.
Familial long QT syndrome (RWS). Also called: Romano-Ward syndrome; VENTRICULAR FIBRILLATION WITH PROLONGED QT INTERVAL; Congenital long QT syndrome. Identifiers: Orphanet 768, MedGen C1141890, MONDO:0019171.
Cardiac arrhythmia. Also called: Cardiac rhythm disease; Arrhythmia. Identifiers: MedGen C0003811, MONDO:0007263, HP:0011675.
Long QT syndrome (LQTS). Identifiers: MedGen C0023976, MeSH D008133, MONDO:0002442. Disease mechanism: loss of function. Inheritance: Various modes of inheritance.
Long QT syndrome 1 (LQT1). Identifiers: Orphanet 101016, Orphanet 768, MedGen C4551647, MONDO:0100316, OMIM 192500, MONDO:0008646.

Submissions (9):

Victorian Clinical Genetics Services, Murdoch Childrens Research Institute
Classification: Pathogenic for Long QT syndrome 1. Last evaluated: 2025-10-03. Review status: criteria provided, single submitter. Criteria: ACMG Guidelines, 2015. Collection method: clinical testing. Allele origin: germline. Affected: yes.
Comment: This variant is classified as Pathogenic. Evidence in support of pathogenic classification: Variant is absent from gnomAD (v2, v3 and v4); This variant has strong previous evidence of pathogenicity in unrelated individuals. This variant has been classified as pathogenic and likely pathogenic by clinical laboratories in ClinVar. It has also been reported in the literature in a least 15 LQTS patients (PMID: 19716085, PMID: 17470695) - Missense variant predicted to be damaging by in silico tool(s) or highly conserved with a major amino acid change. Additional information: Variant is predicted to result in a missense amino acid change from Thr to Ile; This variant is heterozygous; This gene is known to be associated with both recessive and dominant disease. JLNS is characterised by congenital, bilateral deafness and variable degrees of QT prolongation, and is the only condition caused by biallelic variants (PMID: 28438721); Variant is located in the annotated pore domain (Uniprot); Dominant negative, loss of function and gain of function are known mechanisms of disease in this gene. Gain of function variants result exclusively in short QT syndrome 2 (MIM#609621), while dominant negative and loss of function variants can cause long QT syndrome 1 (LQTS, MIM#192500), familial atrial fibrillation 3 (MIM#607554) as well as Jervell and Lange-Nielsen syndrome (JLNS, MIM#220400) (OMIM, PMIDs: 19632626, 28438721); The condition associated with this gene has incomplete penetrance (OMIM, PMID: 20301308); Inheritance information for this variant is not currently available in this individual.

Color Diagnostics, LLC DBA Color Health
Classification: Likely pathogenic for Cardiac arrhythmia. Last evaluated: 2025-05-21. Review status: criteria provided, single submitter. Criteria: ACMG Guidelines, 2015. Collection method: clinical testing. Allele origin: germline.
Comment: This missense variant replaces threonine with isoleucine at codon 312 in the conserved pore-forming region of the KCNQ1 protein. This variant is located within the conserved pore-forming domain (a.a. 300-320) of the KCNQ1 protein. Rare non-truncating variants in this region have been shown to be significantly overrepresented in individuals with long QT syndrome (PMID: 32893267). Computational prediction suggests that this variant may have a deleterious impact on protein structure and function. Functional studies have been shown that this variant has a dominant negative effect on the potassium channel function in vitro (PMID: 9323054, 22456477) and results in a phenotype similar to Jervell and Lange-Nielsen syndrome, an autosomal recessive form of familial long QT syndrome, in mice (PMID 15498462, 20368164this variant is referred to as T311I in these articles). This variant has been reported in many individuals affected with long QT syndrome (PMID: 10973849, 14678125, 15051636, 15466642, 15840476, 17470695, 19841300, 22456477, 22727609, 25294783, 34546463). This variant has not been identified in the general population by the Genome Aggregation Database (gnomAD). Based on the available evidence, this variant is classified as Likely Pathogenic.

Ambry Genetics
Classification: Pathogenic for Cardiovascular phenotype. Last evaluated: 2025-05-14. Review status: criteria provided, single submitter. Criteria: Ambry Variant Classification Scheme 2023. Collection method: clinical testing. Allele origin: germline.
Comment: The p.T312I pathogenic mutatoin (also known as c.935C>T), located in coding exon 7 of the KCNQ1 gene, results from a C to T substitution at nucleotide position 935. The threonine at codon 312 is replaced by isoleucine, an amino acid with similar properties. This variant was reported in individual(s) with features consistent with long QT syndrome (Westenskow P et al. Circulation. 2004 Apr;109(15):1834-41; Andrsova I et al. J Electrocardiol. Jun;45(6):746-51; Barsheshet A et al. Circulation. 2012 Apr;125(16):1988-96; Giudicessi JR et al. Circ Cardiovasc Genet. 2012 Oct;5(5):519-28; Vijayakumar R et al. Circulation, 2014 Nov;130:1936-1943; Samol A et al. PLoS One. 2016 Jul;11(7):e0158085; Sarquella-Brugada G et al. Hum Genet. 2022 Oct;141(10):1579-1589; Ambry internal data). In multiple assays testing KCNQ1 function, this variant showed functionally abnormal results (Jons C et al. Sci Transl Med, 2011 Mar;3:76ra28; Barsheshet A et al. Circulation, 2012 Apr;125:1988-96; Shalaby FY et al. Circulation, 1997 Sep;96:1733-6; Hoefen R et al. J. Am. Coll. Cardiol., 2012 Nov;60:2182-91). This amino acid position is highly conserved in available vertebrate species. In addition, this alteration is predicted to be deleterious by in silico analysis. This variant is considered to be rare based on population cohorts in the Genome Aggregation Database (gnomAD). Based on the supporting evidence, this variant is interpreted as a disease-causing mutation.

Labcorp Genetics (formerly Invitae), Labcorp
Classification: Pathogenic for Long QT syndrome. Last evaluated: 2025-01-26. Review status: criteria provided, single submitter. Criteria: Invitae Variant Classification Sherloc (09022015). Collection method: clinical testing. Allele origin: germline.
Comment: This sequence change replaces threonine, which is neutral and polar, with isoleucine, which is neutral and non-polar, at codon 312 of the KCNQ1 protein (p.Thr312Ile). This variant is not present in population databases (gnomAD no frequency). This missense change has been observed in individuals with long QT syndrome (PMID: 8528244, 10973849, 15051636, 21451124, 22727609, 25294783; internal data). This variant is also known as p.Thr183Ile and p.Thr311Ile. ClinVar contains an entry for this variant (Variation ID: 3116). Invitae Evidence Modeling of protein sequence and biophysical properties (such as structural, functional, and spatial information, amino acid conservation, physicochemical variation, residue mobility, and thermodynamic stability) indicates that this missense variant is expected to disrupt KCNQ1 protein function with a positive predictive value of 95%. Experimental studies have shown that this missense change affects KCNQ1 function (PMID: 9323054, 15051636, 15498462, 20368164, 22456477). For these reasons, this variant has been classified as Pathogenic.

ARUP Laboratories, Molecular Genetics and Genomics, ARUP Laboratories
Classification: Pathogenic. Last evaluated: 2024-05-06. Review status: criteria provided, single submitter. Criteria: ARUP Molecular Germline Variant Investigation Process 2024. Collection method: clinical testing. Allele origin: germline.
Comment: The KCNQ1 c.935C>T; p.Thr312Ile variant (rs120074182, ClinVar Variation ID: 3116), also known as T183I or T311I, is reported in the literature in several individuals affected with long QT syndrome, arrhythmia, or sudden unexplained death (Anderson 2016, Giudicessi 2012, Sarquella-Brugada 2022, Wang 1996, Westenskow 2004). This variant is also absent from the Genome Aggregation Database (v2.1.1), indicating it is not a common polymorphism. Computational analyses predict that this variant is deleterious (REVEL: 0.982). Functional analyses of the variant protein show disrupted protein channel activity (Shalaby 1997, Sarquella-Brugada 2004). Based on available information, this variant is considered to be pathogenic. References: Anderson JH et al. Whole-Exome Molecular Autopsy After Exertion-Related Sudden Unexplained Death in the Young. Circ Cardiovasc Genet. 2016 Jun;9(3):259-65. PMID: 27114410. Giudicessi JR et al. Phylogenetic and physicochemical analyses enhance the classification of rare nonsynonymous single nucleotide variants in type 1 and 2 long-QT syndrome. Circ Cardiovasc Genet. 2012 Oct 1;5(5):519-28. PMID: 22949429. Sarquella-Brugada G et al. Clinical impact of rare variants associated with inherited channelopathies: a 5-year update. Hum Genet. 2022 Oct;141(10):1579-1589. PMID: 34546463. Shalaby FY et al. Dominant-negative KvLQT1 mutations underlie the LQT1 form of long QT syndrome. Circulation. 1997 Sep 16;96(6):1733-6. PMID: 9323054. Wang Q et al. Positional cloning of a novel potassium channel gene: KVLQT1 mutations cause cardiac arrhythmias. Nat Genet. 1996 Jan;12(1):17-23. PMID: 8528244. Westenskow P et al. Compound mutations: a common cause of severe long-QT syndrome. Circulation. 2004 Apr 20;109(15):1834-41. PMID: 15051636.

Blueprint Genetics
Classification: Pathogenic for KCNQ1-related disorders. Last evaluated: 2021-10-22. Review status: criteria provided, single submitter. Criteria: ACMG Guidelines, 2015. Collection method: clinical testing. Allele origin: germline. Affected: yes. Observed: 5 variant alleles.

GeneDx
Classification: Pathogenic. Last evaluated: 2020-03-31. Review status: criteria provided, single submitter. Criteria: GeneDx Variant Classification Process June 2021. Collection method: clinical testing. Allele origin: germline. Affected: yes.
Comment: Not observed in large population cohorts (Lek et al., 2016); Published functional studies demonstrate a damaging effect as the T312I variant results in an inactive potassium channel (Shalaby et al., 1997; Westenskow et al., 2004); In silico analysis, which includes protein predictors and evolutionary conservation, supports a deleterious effect; This variant is associated with the following publications: (PMID: 15051636, 22456477, 14678125, 27114410, 15466642, 22949429, 9323054, 23153844, 19815527, 19841300, 19862833, 26669661, 17470695, 19716085, 10973849, 15840476, 25734225, 8528244, 20368164)

OMIM
Classification: Pathogenic for LONG QT SYNDROME 1. Last evaluated: 1996-01-01. Review status: no assertion criteria provided. Collection method: literature only. Allele origin: germline. Not counted in ClinVar's aggregate classification.

Cardiovascular Biomedical Research Unit, Royal Brompton & Harefield NHS Foundation Trust
No classification provided. Condition: Familial long QT syndrome. Review status: no classification provided. Collection method: literature only. Allele origin: germline. Not counted in ClinVar's aggregate classification.
Comment: This variant has been reported as associated with Long QT syndrome in the following publications (PMID:8528244;PMID:9323054;PMID:10973849;PMID:14678125;PMID:15051636;PMID:15466642;PMID:15840476;PMID:19716085;PMID:19841300;PMID:20368164;PMID:17470695;PMID:22456477). This is a literature report, and does not necessarily reflect the clinical interpretation of the Imperial College / Royal Brompton Cardiovascular Genetics laboratory.

Literature cited by the submitters: PubMed 28438721 (cited by Victorian Clinical Genetics Services, Murdoch Childrens Research Institute); PubMed 17470695 (cited by 4 submitters); PubMed 19716085 (cited by Victorian Clinical Genetics Services, Murdoch Childrens Research Institute and Cardiovascular Biomedical Research Unit, Royal Brompton & Harefield NHS Foundation Trust); PubMed 20301308 (cited by Victorian Clinical Genetics Services, Murdoch Childrens Research Institute); PubMed 19632626 (cited by Victorian Clinical Genetics Services, Murdoch Childrens Research Institute); PubMed 9323054 (cited by 4 submitters); PubMed 10973849 (cited by 4 submitters); PubMed 14678125 (cited by 3 submitters); PubMed 15051636 (cited by 4 submitters); PubMed 15466642 (cited by 3 submitters); PubMed 15498462 (cited by 3 submitters); PubMed 15840476 (cited by 3 submitters); PubMed 19841300 (cited by 3 submitters); PubMed 20368164 (cited by 4 submitters); PubMed 22456477 (cited by 4 submitters); PubMed 22727609 (cited by 3 submitters); PubMed 25294783 (cited by 3 submitters); PubMed 32893267 (cited by Color Diagnostics, LLC DBA Color Health); PubMed 34546463 (cited by Color Diagnostics, LLC DBA Color Health and Ambry Genetics); PubMed 19348785 (cited by Ambry Genetics); PubMed 21451124 (cited by Ambry Genetics and Labcorp Genetics (formerly Invitae), Labcorp); PubMed 22581653 (cited by Ambry Genetics and Cardiovascular Biomedical Research Unit, Royal Brompton & Harefield NHS Foundation Trust); PubMed 22949429 (cited by Ambry Genetics); PubMed 23098067 (cited by Ambry Genetics); PubMed 23153844 (cited by Ambry Genetics); PubMed 27114410 (cited by Ambry Genetics); PubMed 27379800 (cited by Ambry Genetics); PubMed 30008122 (cited by Ambry Genetics); PubMed 30935642 (cited by Ambry Genetics); PubMed 8528244 (cited by 4 submitters).

NM_000218.3(KCNQ1):c.935C>T (p.Thr312Ile)

Gene: KCNQ1 (potassium voltage-gated channel subfamily Q member 1; plus strand). Cytogenetic location: 11p15.5.
Variant type: single nucleotide variant.
Coding change: c.935C>T on transcript NM_000218.3 (MANE Select); coding-DNA position 935, C replaced by T.
Protein change: p.Thr312Ile; replaces threonine 312 with isoleucine.
Molecular consequence: missense variant.
Genome position (GRCh38, 1-based): chr11:2,583,448, C>T. VCF-style: chr11-2583448-C-T. GRCh37 (hg19) VCF-style: chr11-2604678-C-T.
Other names: p.T312I:ACC>ATC; c.935C>T (LRG_287t1); c.935C>T, p.Thr312Ile (NM_001406836.1); c.665C>T, p.Thr222Ile (NM_001406837.1); c.491C>T, p.Thr164Ile (NM_001406838.1); c.554C>T, p.Thr185Ile (NM_181798.2); short protein forms T312I, T185I, T164I, T222I.
Identifiers: ClinVar variation 3116 (VCV000003116.25), dbSNP rs120074182, ClinGen allele CA008759.